The following is an entry in ClinVar:

ClinVar aggregate classification (germline): Uncertain significance. Review status: criteria provided, multiple submitters, no conflicts (2 of 4 stars). 2 submissions from 2 submitters: Uncertain significance (2). Last evaluated 2026-01-11.

Conditions:
Hereditary nonpolyposis colorectal neoplasms. Identifiers: MedGen C0009405, MeSH D003123.
Hereditary cancer-predisposing syndrome. Also called: Hereditary Cancer Syndrome; Tumor predisposition; Hereditary neoplastic syndrome; Neoplastic Syndromes, Hereditary. Identifiers: Orphanet 140162, MedGen C0027672, MeSH D009386, MONDO:0015356.

Submissions (2):

Labcorp Genetics (formerly Invitae), Labcorp
Classification: Uncertain significance for Hereditary nonpolyposis colorectal neoplasms. Last evaluated: 2026-01-11. Review status: criteria provided, single submitter. Criteria: Invitae Variant Classification Sherloc (09022015). Collection method: clinical testing. Allele origin: germline.
Comment: This sequence change replaces glutamic acid, which is acidic and polar, with aspartic acid, which is acidic and polar, at codon 946 of the MSH6 protein (p.Glu946Asp). This variant is not present in population databases (gnomAD no frequency). This variant has not been reported in the literature in individuals affected with MSH6-related conditions. ClinVar contains an entry for this variant (Variation ID: 2188034). Invitae Evidence Modeling of protein sequence and biophysical properties (such as structural, functional, and spatial information, amino acid conservation, physicochemical variation, residue mobility, and thermodynamic stability) indicates that this missense variant is not expected to disrupt MSH6 protein function with a negative predictive value of 95%. In summary, the available evidence is currently insufficient to determine the role of this variant in disease. Therefore, it has been classified as a Variant of Uncertain Significance.

Ambry Genetics
Classification: Uncertain significance for Hereditary cancer-predisposing syndrome. Last evaluated: 2025-08-09. Review status: criteria provided, single submitter. Criteria: Ambry Variant Classification Scheme 2023. Collection method: clinical testing. Allele origin: germline.
Comment: The p.E946D variant (also known as c.2838A>C), located in coding exon 4 of the MSH6 gene, results from an A to C substitution at nucleotide position 2838. The glutamic acid at codon 946 is replaced by aspartic acid, an amino acid with highly similar properties. This amino acid position is conserved. In addition, this alteration is predicted to be tolerated by in silico analysis. Based on the available evidence, the clinical significance of this variant remains unclear.

NM_000179.3(MSH6):c.2838A>C (p.Glu946Asp)

Gene: MSH6 (mutS homolog 6; plus strand). Cytogenetic location: 2p16.3.
Variant type: single nucleotide variant.
Coding change: c.2838A>C on transcript NM_000179.3 (MANE Select); coding-DNA position 2838, A replaced by C.
Protein change: p.Glu946Asp; replaces glutamic acid 946 with aspartic acid.
Molecular consequence: missense variant.
Genome position (GRCh38, 1-based): chr2:47,800,821, A>C. VCF-style: chr2-47800821-A-C. GRCh37 (hg19) VCF-style: chr2-48027960-A-C.
Other names: c.1932A>C, p.Glu644Asp (NM_001406823.1, NM_001406829.1, NM_001281493.2 and 6 more transcripts); c.2541A>C, p.Glu847Asp (NM_001406824.1, NM_001406825.1, NM_001406827.1 and 10 more transcripts); c.2670A>C, p.Glu890Asp (NM_001406826.1); c.783A>C, p.Glu261Asp (NM_001407362.1); c.2448A>C, p.Glu816Asp (NM_001281492.2); c.2934A>C, p.Glu978Asp (NM_001406795.1, NM_001406802.1); c.2838A>C, p.Glu946Asp (NM_001406796.1, NM_001406798.1, NM_001406800.1 and 2 more transcripts); c.2313A>C, p.Glu771Asp (NM_001406799.1, NM_001406806.1, NM_001406807.1); and 2 more; short protein forms E261D, E948D, E644D, E771D, E890D, E920D, E816D, E847D.
Identifiers: ClinVar variation 2188034 (VCV002188034.5), dbSNP rs876660479, ClinGen allele CA346755778.